The following is an entry in ClinVar:

NM_001267550.2(TTN):c.11658_11674dup (p.Cys3892fs)

Gene: TTN (titin; minus strand). Cytogenetic location: 2q31.2.
Variant type: Duplication.
Coding change: c.11658_11674dup on transcript NM_001267550.2 (MANE Select); coding-DNA positions 11658 to 11674, 17 bases duplicated (TGAGGGAGAGTATACAT).
Protein change: p.Cys3892fs; shifts the reading frame from cysteine 3892.
Molecular consequence: frameshift variant. On other transcripts: intron variant (1).
Genome position (GRCh38, 1-based): chr2:178,741,559-178,741,575, ATGTATACTCTCCCTCA duplicated on the plus strand (TGAGGGAGAGTATACAT on the coding strand, the reverse complement: TTN is on the minus strand). VCF-style (leftmost placement, unchanged base first): chr2-178741558-C-CATGTATACTCTCCCTCA. GRCh37 (hg19) VCF-style: chr2-179606285-C-CATGTATACTCTCCCTCA.
Other names: c.10707_10723dup, p.Cys3575fs (NM_001256850.1); c.10569_10585dup, p.Cys3529fs (NM_003319.4); c.10944_10960dup, p.Cys3654fs (NM_133432.3); c.11145_11161dup, p.Cys3721fs (NM_133437.4); c.10361-3215_10361-3199dup (NM_133378.4); short protein forms C3529fs, C3575fs, C3654fs, C3721fs, C3892fs.
Identifiers: ClinVar variation 3755648 (VCV003755648.2).

ClinVar aggregate classification (germline): Likely pathogenic (1 of 4 stars; one submission).

Conditions:
Dilated cardiomyopathy 1G (CMD1G). Identifiers: Orphanet 154, MedGen C1858763, MONDO:0011400, OMIM 604145.
Autosomal recessive limb-girdle muscular dystrophy type 2J (LGMDR10). Also called: Limb-girdle muscular dystrophy, type 2J; MUSCULAR DYSTROPHY, LIMB-GIRDLE, AUTOSOMAL RECESSIVE 10. Identifiers: Orphanet 140922, MedGen C1837342, MONDO:0012127, OMIM 608807.

Submission:

Labcorp Genetics (formerly Invitae), Labcorp
Classification: Likely pathogenic for Dilated cardiomyopathy 1G; Autosomal recessive limb-girdle muscular dystrophy type 2J. Last evaluated: 2024-04-08. Review status: criteria provided, single submitter. Criteria: Invitae Variant Classification Sherloc (09022015). Collection method: clinical testing. Allele origin: germline.
Comment: This sequence change creates a premature translational stop signal (p.Cys3892Leufs*22) in the TTN gene. While this is not anticipated to result in nonsense mediated decay, it is expected to create a truncated TTN protein. This variant is not present in population databases (gnomAD no frequency). This variant has not been reported in the literature in individuals affected with TTN-related conditions. This variant is located in the I band of TTN (PMID: 25589632). Truncating variants in this region have been reported in individuals affected with autosomal recessive centronuclear myopathy (PMID: 23975875, Invitae internal data). Truncating variants in this region have also been identified in individuals affected with autosomal dominant dilated cardiomyopathy and/or cardio-related conditions (PMID: 27869827, 32964742, Invitae internal data). In summary, the currently available evidence indicates that the variant is pathogenic, but additional data are needed to prove that conclusively. Therefore, this variant has been classified as Likely Pathogenic.

Literature cited by the submitters: PubMed 25589632; PubMed 23975875; PubMed 27869827; PubMed 32964742.